The following is an entry in ClinVar:

NM_178822.5(IGSF10):c.6908_6909del (p.Val2303fs)

Gene: IGSF10 (immunoglobulin superfamily member 10; minus strand). Cytogenetic location: 3q25.1.
Variant type: Microsatellite.
Coding change: c.6908_6909del on transcript NM_178822.5 (MANE Select); coding-DNA positions 6908 to 6909, 2 bases deleted (TG; older notation c.6908_6909delTG).
Protein change: p.Val2303fs; shifts the reading frame from valine 2303.
Molecular consequence: frameshift variant.
Genome position (GRCh38, 1-based): chr3:151,437,652-151,437,653, CA deleted on the plus strand (TG on the coding strand, the reverse complement: IGSF10 is on the minus strand); deleting any 2 consecutive bases within chr3:151,437,652-151,437,655 gives the same sequence; the c. name uses the placement nearest the transcript's 3' end. VCF-style (leftmost placement, unchanged base first): chr3-151437651-TCA-T. GRCh37 (hg19) VCF-style: chr3-151155439-TCA-T.
Other names: c.845_846del, p.Val282fs (NM_001178145.3, NM_001178146.3); c.6908_6909del, p.Val2303fs (NM_001385060.1, NM_001385061.1, NM_001385062.1 and 1 more transcripts); short protein forms V2303fs, V282fs.
Identifiers: ClinVar variation 2038330 (VCV002038330.4), dbSNP rs1337376333, ClinGen allele CA547367363.

ClinVar aggregate classification (germline): Uncertain significance (1 of 4 stars; one submission).

Submission:

Labcorp Genetics (formerly Invitae), Labcorp
Classification: Uncertain significance. Last evaluated: 2024-09-09. Review status: criteria provided, single submitter. Criteria: Invitae Variant Classification Sherloc (09022015). Collection method: clinical testing. Allele origin: germline.
Comment: This sequence change creates a premature translational stop signal (p.Val2303Glufs*15) in the IGSF10 gene. While this is not anticipated to result in nonsense mediated decay, it is expected to disrupt the last 321 amino acid(s) of the IGSF10 protein. This variant is present in population databases (no rsID available, gnomAD 0.01%). This variant has not been reported in the literature in individuals affected with IGSF10-related conditions. Experimental studies and prediction algorithms are not available or were not evaluated, and the functional significance of this variant is currently unknown. In summary, the available evidence is currently insufficient to determine the role of this variant in disease. Therefore, it has been classified as a Variant of Uncertain Significance.